The following is an entry in ClinVar:

ClinVar aggregate classification (germline): Uncertain significance (1 of 4 stars; one submission).

gnomAD v4.1: 4 of 1,605,460 alleles (0.00025%); highest among the groups gnomAD compares: East Asian, 0.009%; no homozygotes.

Submission:

Labcorp Genetics (formerly Invitae), Labcorp
Classification: Uncertain significance. Last evaluated: 2025-10-05. Review status: criteria provided, single submitter. Criteria: Invitae Variant Classification Sherloc (09022015). Collection method: clinical testing. Allele origin: germline.
Comment: This sequence change replaces serine, which is neutral and polar, with cysteine, which is neutral and slightly polar, at codon 2524 of the ACAN protein (p.Ser2524Cys). This variant is present in population databases (no rsID available, gnomAD 0.006%). This variant has not been reported in the literature in individuals affected with ACAN-related conditions. An algorithm developed to predict the effect of missense changes on protein structure and function (PolyPhen-2) suggests that this variant is likely to be disruptive. In summary, the available evidence is currently insufficient to determine the role of this variant in disease. Therefore, it has been classified as a Variant of Uncertain Significance.

NM_001369268.1(ACAN):c.7684A>T (p.Ser2562Cys)

Gene: ACAN (aggrecan; plus strand). Cytogenetic location: 15q26.1.
Variant type: single nucleotide variant.
Coding change: c.7684A>T on transcript NM_001369268.1 (MANE Select); coding-DNA position 7684, A replaced by T.
Protein change: p.Ser2562Cys; replaces serine 2562 with cysteine.
Molecular consequence: missense variant.
Genome position (GRCh38, 1-based): chr15:88,874,458, A>T. VCF-style: chr15-88874458-A-T. GRCh37 (hg19) VCF-style: chr15-89417689-A-T.
Other names: c.7273A>T, p.Ser2425Cys (NM_001135.4); c.7456A>T, p.Ser2486Cys (NM_001411096.1); c.7570A>T, p.Ser2524Cys (NM_001411097.1, NM_013227.4); short protein forms S2524C, S2425C, S2486C, S2562C.
Identifiers: ClinVar variation 4692342 (VCV004692342.1).